The following is an entry in ClinVar:

NM_015425.6(POLR1A):c.611G>A (p.Arg204His)

Gene: POLR1A (RNA polymerase I subunit A; minus strand). Cytogenetic location: 2p11.2.
Variant type: single nucleotide variant.
Coding change: c.611G>A on transcript NM_015425.6 (MANE Select); coding-DNA position 611, G replaced by A.
Protein change: p.Arg204His; replaces arginine 204 with histidine.
Molecular consequence: missense variant.
Genome position (GRCh38, 1-based): chr2:86,088,800, C>T on the plus strand (G>A on the coding strand, the complement: POLR1A is on the minus strand). VCF-style: chr2-86088800-C-T. GRCh37 (hg19) VCF-style: chr2-86315923-C-T.
Other names: short protein forms R204H.
Identifiers: ClinVar variation 3640516 (VCV003640516.2).
Genomic context (GRCh38, chr2:86,088,800, plus strand): 5'-ACTGCCCAGAGACGTCTCACCTGGCGCAAGGGCCCTGATACTTACTTGCAGTGGGGACAG[C>T]GCTTAGCATTCATATGTGCCTTCCAGAAGAGAGCAATGAGCTTGCTCTTGCTCTCACACA-3'
Protein context (NP_056240.2, residues 194-214): LFWKAHMNAK[Arg204His]CPHCKTGRSV

ClinVar aggregate classification (germline): Uncertain significance (1 of 4 stars; one submission).

gnomAD v4.1: 11 of 1,613,608 alleles (0.00068%); highest among the groups gnomAD compares: Admixed American, 0.0083%; no homozygotes.

Submission:

Labcorp Genetics (formerly Invitae), Labcorp
Classification: Uncertain significance. Last evaluated: 2024-05-31. Review status: criteria provided, single submitter. Criteria: Invitae Variant Classification Sherloc (09022015). Collection method: clinical testing. Allele origin: germline.
Comment: This sequence change replaces arginine, which is basic and polar, with histidine, which is basic and polar, at codon 204 of the POLR1A protein (p.Arg204His). This variant is present in population databases (no rsID available, gnomAD 0.01%). This variant has not been reported in the literature in individuals affected with POLR1A-related conditions. Advanced modeling of protein sequence and biophysical properties (such as structural, functional, and spatial information, amino acid conservation, physicochemical variation, residue mobility, and thermodynamic stability) performed at Invitae indicates that this missense variant is expected to disrupt POLR1A protein function with a positive predictive value of 80%. In summary, the available evidence is currently insufficient to determine the role of this variant in disease. Therefore, it has been classified as a Variant of Uncertain Significance.